The following is an entry in ClinVar:

NM_000094.4(COL7A1):c.4894C>T (p.Arg1632Ter)

Gene: COL7A1 (collagen type VII alpha 1 chain; minus strand). Cytogenetic location: 3p21.31.
Variant type: single nucleotide variant.
Coding change: c.4894C>T on transcript NM_000094.4 (MANE Select); coding-DNA position 4894, C replaced by T.
Protein change: p.Arg1632Ter; replaces arginine 1632 with a stop codon.
Molecular consequence: nonsense.
Genome position (GRCh38, 1-based): chr3:48,581,265, G>A on the plus strand (C>T on the coding strand, the complement: COL7A1 is on the minus strand). VCF-style: chr3-48581265-G-A. GRCh37 (hg19) VCF-style: chr3-48618698-G-A.
Other names: short protein forms R1632*.
Identifiers: ClinVar variation 620088 (VCV000620088.17), dbSNP rs751535193, ClinGen allele CA2379800.

ClinVar aggregate classification (germline): Pathogenic. Review status: criteria provided, multiple submitters, no conflicts (2 of 4 stars). 7 submissions from 7 submitters: Pathogenic (7). Last evaluated 2025-06-17.

Conditions:
Dominant dystrophic epidermolysis bullosa with absence of skin. Also called: EPIDERMOLYSIS BULLOSA WITH CONGENITAL LOCALIZED ABSENCE OF SKIN AND DEFORMITY OF NAILS; EPIDERMOLYSIS BULLOSA DYSTROPHICA, BART TYPE. Identifiers: MedGen C0268371, MONDO:0007557, OMIM 132000.
Nonsyndromic congenital nail disorder 8. Also called: TOENAIL DYSTROPHY, ISOLATED. Identifiers: MedGen C1843761, MONDO:0011852, OMIM 607523.
Generalized dominant dystrophic epidermolysis bullosa (DDEB). Also called: DDEB, generalized; DDEB-gen; DYSTROPHIC EPIDERMOLYSIS BULLOSA, AUTOSOMAL DOMINANT; Epidermolysis bullosa dystrophica, autosomal dominant; Dominant DEB (DDEB). Identifiers: Orphanet 231568, MedGen C0432322, MONDO:0007549, OMIM 131750.
Recessive dystrophic epidermolysis bullosa (RDEB). Also called: severe generalized recessive dystrophic epidermolysis bullosa; EPIDERMOLYSIS BULLOSA DYSTROPHICA, GENERALIZED SEVERE, AUTOSOMAL RECESSIVE; DYSTROPHIC EPIDERMOLYSIS BULLOSA, AUTOSOMAL RECESSIVE; EPIDERMOLYSIS BULLOSA DYSTROPHICA, HALLOPEAU-SIEMENS TYPE; epidermolysis bullosa dystrophica, autosomal recessive; Epidermolysis Bullosa Distrophica Autosomal Recessive (RDEB). Identifiers: Orphanet 79408, Orphanet 79409, MedGen C0079474, MONDO:0009179, OMIM 226600.
Epidermolysis bullosa pruriginosa. Also called: DEB, PRURIGINOSA; DYSTROPHIC EPIDERMOLYSIS BULLOSA PRURIGINOSA. Identifiers: Orphanet 89843, MedGen C1275114, MONDO:0011398, OMIM 604129.
Pretibial dystrophic epidermolysis bullosa. Also called: EPIDERMOLYSIS BULLOSA DYSTROPHICA, PRETIBIAL; Pretibial blistering; Pretibial epidermolysis bullosa. Identifiers: Orphanet 79410, MedGen C0432321, MONDO:0007552, OMIM 131850, HP:0012221.
Transient bullous dermolysis of the newborn (TBDN). Also called: DYSTROPHIC EPIDERMOLYSIS BULLOSA, NEONATAL; EPIDERMOLYSIS BULLOSA DYSTROPHICA, NEONATAL FORM. Identifiers: Orphanet 79411, MedGen C1851573, MONDO:0007548, OMIM 131705.
Epidermolysis bullosa dystrophica. Also called: Dystrophic epidermolysis bullosa, Hallopeau-Siemens type (formerly); Dystrophic epidermolysis bullosa. Identifiers: Orphanet 303, MedGen C0079294, MONDO:0006543.

Allele frequency attached by ClinVar (database versions not stated): gnomAD 0.00001; TOPMed 0.00001; ExAC 0.00002; gnomAD exomes 0.00002.
gnomAD v4.1: 49 of 1,613,198 alleles (0.003%); highest among the groups gnomAD compares: Non-Finnish European, 0.004%; no homozygotes.

Submissions (7):

Natera, Inc.
Classification: Pathogenic for Dystrophic epidermolysis bullosa. Last evaluated: 2025-06-17. Review status: criteria provided, single submitter. Criteria: Natera Variant Classification Schema (03/2026). Collection method: clinical testing. Allele origin: germline.
Comment: The c.4894C>T variant in COL7A1 is a nonsense variant predicted to introduce a stop codon at amino acid 1632. This variant is expected to result in nonsense mediated decay, truncation, or a dysfunctional protein product. This variant is rare in the general population with a frequency below the threshold expected for the associated phenotype(s). This variant has been observed in one or more individuals affected with the associated recessive disease, as either homozygous or compound heterozygous with a second variant (PMID: 16484981). Given the available evidence, this variant is classified as Pathogenic.

Myriad Genetics, Inc.
Classification: Pathogenic for Recessive dystrophic epidermolysis bullosa. Last evaluated: 2025-01-15. Review status: criteria provided, single submitter. Criteria: Myriad Autosomal Dominant, Autosomal Recessive and X-Linked Classification Criteria (2023). Collection method: clinical testing. Allele origin: unknown.
Comment: NM_000094.3(COL7A1):c.4894C>T(R1632*) is a nonsense variant classified as pathogenic in the context of dystrophic epidermolysis bullosa. R1632* has been observed in cases with relevant disease (PMID: 10504458, 16271705, 17425959, 21448560, 28830826). Relevant functional assessments of this variant are not available in the literature. R1632* has been observed in referenced population frequency databases. In summary, NM_000094.3(COL7A1):c.4894C>T(R1632*) is a nonsense variant that has been observed more frequently in cases with the relevant disease than in healthy populations. Please note: this variant was assessed in the context of healthy population screening.

Revvity Omics, Revvity
Classification: Pathogenic. Last evaluated: 2024-08-20. Review status: criteria provided, single submitter. Criteria: ACMG Guidelines, 2015. Collection method: clinical testing. Allele origin: germline.

Labcorp Genetics (formerly Invitae), Labcorp
Classification: Pathogenic. Last evaluated: 2023-12-31. Review status: criteria provided, single submitter. Criteria: Invitae Variant Classification Sherloc (09022015). Collection method: clinical testing. Allele origin: germline.
Comment: This sequence change creates a premature translational stop signal (p.Arg1632*) in the COL7A1 gene. It is expected to result in an absent or disrupted protein product. Loss-of-function variants in COL7A1 are known to be pathogenic (PMID: 16971478). This variant is present in population databases (rs751535193, gnomAD 0.004%). This premature translational stop signal has been observed in individuals with autosomal recessive dystrophic epidermolysis bullosa (PMID: 10504458, 16271705, 17425959, 21448560, 28830826). ClinVar contains an entry for this variant (Variation ID: 620088). For these reasons, this variant has been classified as Pathogenic.

Fulgent Genetics
Classification: Pathogenic for Transient bullous dermolysis of the newborn; Generalized dominant dystrophic epidermolysis bullosa; Pretibial dystrophic epidermolysis bullosa; Dominant dystrophic epidermolysis bullosa with absence of skin; Recessive dystrophic epidermolysis bullosa; Epidermolysis bullosa pruriginosa; Nonsyndromic congenital nail disorder 8. Last evaluated: 2021-12-17. Review status: criteria provided, single submitter. Criteria: ACMG Guidelines, 2015. Collection method: clinical testing. Allele origin: unknown.

GeneDx
Classification: Pathogenic. Last evaluated: 2019-12-30. Review status: criteria provided, single submitter. Criteria: GeneDx Variant Classification Process June 2021. Collection method: clinical testing. Allele origin: germline. Affected: yes.
Comment: Nonsense variant predicted to result in protein truncation or nonsense mediated decay in a gene for which loss-of-function is a known mechanism of disease; Not observed at a significant frequency in large population cohorts (Lek et al., 2016); This variant is associated with the following publications: (PMID: 21448560, 19681861, 16271705, 18558993, 17425959, 24577406, 29963685, 10504458, 16484981, 28830826, 24252097, 25155989, 29625052)

Institute of Human Genetics, University of Leipzig Medical Center
Classification: Pathogenic for Recessive dystrophic epidermolysis bullosa. Last evaluated: 2019-02-06. Review status: criteria provided, single submitter. Criteria: ACMG Guidelines, 2015. Collection method: clinical testing. Allele origin: germline. Affected: yes. Observed: 1 variant allele.

Literature cited by the submitters: PubMed 16484981 (cited by Natera, Inc.); PubMed 10504458 (cited by Myriad Genetics, Inc. and Labcorp Genetics (formerly Invitae), Labcorp); PubMed 16271705 (cited by Myriad Genetics, Inc. and Labcorp Genetics (formerly Invitae), Labcorp); PubMed 17425959 (cited by Myriad Genetics, Inc. and Labcorp Genetics (formerly Invitae), Labcorp); PubMed 21448560 (cited by Myriad Genetics, Inc. and Labcorp Genetics (formerly Invitae), Labcorp); PubMed 28830826 (cited by Myriad Genetics, Inc. and Labcorp Genetics (formerly Invitae), Labcorp); PubMed 16971478 (cited by Labcorp Genetics (formerly Invitae), Labcorp).